The following is an entry in ClinVar:

NM_001408.3(CELSR2):c.2524C>T (p.Arg842Cys)

Gene: CELSR2 (cadherin EGF LAG seven-pass G-type receptor 2; plus strand). Cytogenetic location: 1p13.3.
Variant type: single nucleotide variant.
Coding change: c.2524C>T on transcript NM_001408.3 (MANE Select); coding-DNA position 2524, C replaced by T.
Protein change: p.Arg842Cys; replaces arginine 842 with cysteine.
Molecular consequence: missense variant.
Genome position (GRCh38, 1-based): chr1:109,252,603, C>T. VCF-style: chr1-109252603-C-T. GRCh37 (hg19) VCF-style: chr1-109795225-C-T.
Other names: short protein forms R842C.
Identifiers: ClinVar variation 1978863 (VCV001978863.4), dbSNP rs757931859, ClinGen allele CA986771.
Genomic context (GRCh38, chr1:109,252,603, plus strand): 5'-GGCAGTGTCTATGAGGATGTGCCACCCTTCACTAGCGTCCTGCAGATCTCAGCCACTGAT[C>T]GTGATTCTGGACTTAATGGCAGGGTCTTCTACACCTTCCAAGGAGGCGACGATGGAGACG-3'
Protein context (NP_001399.1, residues 832-852): TSVLQISATD[Arg842Cys]DSGLNGRVFY

ClinVar aggregate classification (germline): Uncertain significance (1 of 4 stars; one submission).

Allele frequency attached by ClinVar (database versions not stated): ExAC 0.00002; gnomAD 0.00003; gnomAD exomes 0.00003; TOPMed 0.00005.

Submission:

Labcorp Genetics (formerly Invitae), Labcorp
Classification: Uncertain significance. Last evaluated: 2022-04-01. Review status: criteria provided, single submitter. Criteria: Invitae Variant Classification Sherloc (09022015). Collection method: clinical testing. Allele origin: germline.
Comment: This variant is present in population databases (rs757931859, gnomAD 0.003%). This sequence change replaces arginine, which is basic and polar, with cysteine, which is neutral and slightly polar, at codon 842 of the CELSR2 protein (p.Arg842Cys). This variant has not been reported in the literature in individuals affected with CELSR2-related conditions. Algorithms developed to predict the effect of missense changes on protein structure and function (SIFT, PolyPhen-2, Align-GVGD) all suggest that this variant is likely to be disruptive. In summary, the available evidence is currently insufficient to determine the role of this variant in disease. Therefore, it has been classified as a Variant of Uncertain Significance.